The following is an entry in ClinVar:

ClinVar aggregate classification (germline): Likely pathogenic (1 of 4 stars; one submission).

Submission:

Labcorp Genetics (formerly Invitae), Labcorp
Classification: Likely pathogenic. Last evaluated: 2020-08-29. Review status: criteria provided, single submitter. Criteria: Invitae Variant Classification Sherloc (09022015). Collection method: clinical testing. Allele origin: germline.
Comment: In summary, the currently available evidence indicates that the variant is pathogenic, but additional data are needed to prove that conclusively. Therefore, this variant has been classified as Likely Pathogenic. This variant disrupts the p.Ser350 amino acid residue in NPHS1. Other variant(s) that disrupt this residue have been determined to be pathogenic (PMID: 9915943, 20172850, 20507940). This suggests that this residue is clinically significant, and that variants that disrupt this residue are likely to be disease-causing. Advanced modeling of protein sequence and biophysical properties (such as structural, functional, and spatial information, amino acid conservation, physicochemical variation, residue mobility, and thermodynamic stability) performed at Invitae indicates that this missense variant is expected to disrupt NPHS1 protein function. This variant has not been reported in the literature in individuals with NPHS1-related conditions. This variant is not present in population databases (ExAC no frequency). This sequence change replaces serine with tyrosine at codon 350 of the NPHS1 protein (p.Ser350Tyr). The serine residue is moderately conserved and there is a large physicochemical difference between serine and tyrosine.

Literature cited by the submitters: PubMed 9915943; PubMed 20172850; PubMed 20507940.

NM_004646.4(NPHS1):c.1049C>A (p.Ser350Tyr)

Gene: NPHS1 (NPHS1 adhesion molecule, nephrin; minus strand). Cytogenetic location: 19q13.12.
Variant type: single nucleotide variant.
Coding change: c.1049C>A on transcript NM_004646.4 (MANE Select); coding-DNA position 1049, C replaced by A.
Protein change: p.Ser350Tyr; replaces serine 350 with tyrosine.
Molecular consequence: missense variant.
Genome position (GRCh38, 1-based): chr19:35,848,758, G>T on the plus strand (C>A on the coding strand, the complement: NPHS1 is on the minus strand). VCF-style: chr19-35848758-G-T. GRCh37 (hg19) VCF-style: chr19-36339660-G-T.
Other names: short protein forms S350Y.
Identifiers: ClinVar variation 1066437 (VCV001066437.9), dbSNP rs570069789, ClinGen allele CA405406527.